The following is an entry in ClinVar:

ClinVar aggregate classification (germline): Uncertain significance (1 of 4 stars; one submission).

Conditions:
Hereditary cancer-predisposing syndrome. Also called: Tumor predisposition; Hereditary Cancer Syndrome; Neoplastic Syndromes, Hereditary; Hereditary neoplastic syndrome. Identifiers: Orphanet 140162, MedGen C0027672, MeSH D009386, MONDO:0015356.

Submission:

Ambry Genetics
Classification: Uncertain significance for Hereditary cancer-predisposing syndrome. Last evaluated: 2020-07-06. Review status: criteria provided, single submitter. Criteria: Ambry Variant Classification Scheme 2023. Collection method: clinical testing. Allele origin: germline.
Comment: The p.G91S variant (also known as c.271G>A), located in coding exon 2 of the PTCH1 gene, results from a G to A substitution at nucleotide position 271. The glycine at codon 91 is replaced by serine, an amino acid with similar properties. This amino acid position is highly conserved in available vertebrate species. In addition, this alteration is predicted to be deleterious by in silico analysis. Since supporting evidence is limited at this time, the clinical significance of this alteration remains unclear.

NM_000264.5(PTCH1):c.271G>A (p.Gly91Ser)

Gene: PTCH1 (patched 1; minus strand). Cytogenetic location: 9q22.32.
Variant type: single nucleotide variant.
Coding change: c.271G>A on transcript NM_000264.5 (MANE Select); coding-DNA position 271, G replaced by A.
Protein change: p.Gly91Ser; replaces glycine 91 with serine.
Molecular consequence: missense variant. On other transcripts: 5 prime UTR variant (4), non-coding transcript variant (1).
Genome position (GRCh38, 1-based): chr9:95,506,530, C>T on the plus strand (G>A on the coding strand, the complement: PTCH1 is on the minus strand). VCF-style: chr9-95506530-C-T. GRCh37 (hg19) VCF-style: chr9-98268812-C-T.
Other names: c.73G>A, p.Gly25Ser (NM_001083602.3, NM_001354919.2); c.268G>A, p.Gly90Ser (NM_001083603.3); c.-183G>A (NM_001083604.3, NM_001083605.3, NM_001083606.3 and 1 more transcripts); c.271G>A, p.Gly91Ser (NM_001354918.2); short protein forms G90S, G25S, G91S.
Identifiers: ClinVar variation 1795172 (VCV001795172.2), dbSNP rs2118879154, ClinGen allele CA374120427.